The following is an entry in ClinVar:

NM_006031.6(PCNT):c.7833C>T (p.Ser2611=)

Gene: PCNT (pericentrin; plus strand). Cytogenetic location: 21q22.3.
Variant type: single nucleotide variant.
Coding change: c.7833C>T on transcript NM_006031.6 (MANE Select); coding-DNA position 7833, C replaced by T.
Protein change: p.Ser2611=; no amino-acid change (serine 2611 retained).
Molecular consequence: synonymous variant.
Genome position (GRCh38, 1-based): chr21:46,430,152, C>T. VCF-style: chr21-46430152-C-T. GRCh37 (hg19) VCF-style: chr21-47850066-C-T.
Other names: c.7479C>T, p.Ser2493= (NM_001315529.2).
Identifiers: ClinVar variation 211883 (VCV000211883.40), dbSNP rs139227909, ClinGen allele CA205966.

ClinVar aggregate classification (germline): Likely benign. Review status: criteria provided, multiple submitters, no conflicts (2 of 4 stars). 6 submissions from 6 submitters: Likely benign (5). 1 of the submissions does not count toward it. Last evaluated 2026-01-27.

Conditions:
PCNT-related disorder. Also called: PCNT-related condition.

Allele frequency attached by ClinVar (database versions not stated): 1000 Genomes Project 30x 0.00031; 1000 Genomes Project 0.00040; TOPMed 0.00050; ESP Exome Variant Server 0.00077; gnomAD 0.00096.
gnomAD v4.1: 1,223 of 1,614,184 alleles (0.076%); highest among the groups gnomAD compares: Non-Finnish European, 0.095%; 2 homozygotes.

Submissions (6):

Labcorp Genetics (formerly Invitae), Labcorp
Classification: Likely benign. Last evaluated: 2026-01-27. Review status: criteria provided, single submitter. Criteria: Invitae Variant Classification Sherloc (09022015). Collection method: clinical testing. Allele origin: germline.

CeGaT Center for Human Genetics Tuebingen
Classification: Likely benign. Last evaluated: 2024-12-01. Review status: criteria provided, single submitter. Criteria: CeGaT Center For Human Genetics Tuebingen Variant Classification Criteria Version 2. Collection method: clinical testing. Allele origin: germline. Affected: yes. Observed: 2 variant alleles.
Comment: PCNT: BP4, BP7

Blueprint Genetics
Classification: Likely benign. Last evaluated: 2024-11-19. Review status: criteria provided, single submitter. Criteria: ACMG Guidelines, 2015. Collection method: clinical testing. Allele origin: germline.

GeneDx
Classification: Likely benign. Last evaluated: 2020-01-14. Review status: criteria provided, single submitter. Criteria: GeneDx Variant Classification Process June 2021. Collection method: clinical testing. Allele origin: germline. Affected: yes.

Genetic Services Laboratory, University of Chicago
Classification: Likely benign. Last evaluated: 2016-04-25. Review status: criteria provided, single submitter. Criteria: ACMG Guidelines, 2015. Collection method: clinical testing. Allele origin: germline. Affected: no.

PreventionGenetics, part of Exact Sciences
Classification: Likely benign for PCNT-related condition. Last evaluated: 2021-06-24. Review status: no assertion criteria provided. Collection method: clinical testing. Allele origin: germline. Not counted in ClinVar's aggregate classification.
Comment: This variant is classified as likely benign based on ACMG/AMP sequence variant interpretation guidelines (Richards et al. 2015 PMID: 25741868, with internal and published modifications).